The following is an entry in ClinVar:

ClinVar aggregate classification (germline): Pathogenic/Likely pathogenic. Review status: criteria provided, multiple submitters, no conflicts (2 of 4 stars). 2 submissions from 2 submitters: Pathogenic (1); Likely pathogenic (1). Last evaluated 2024-03-28.

Conditions:
Familial thoracic aortic aneurysm and aortic dissection (TAAD). Also called: Thoracic aortic aneurysms and dissections. Identifiers: Orphanet 91387, MedGen C4707243, MONDO:0019625.

Allele frequency attached by ClinVar (database versions not stated): TOPMed below 0.00001.

Submissions (2):

GeneDx
Classification: Likely pathogenic. Last evaluated: 2024-03-28. Review status: criteria provided, single submitter. Criteria: GeneDx Variant Classification Process June 2021. Collection method: clinical testing. Allele origin: germline. Affected: yes.
Comment: Affects a cysteine residue within a calcium-binding EGF-like domain of the FBN1 gene, which may affect disulfide bonding and is predicted to alter the structure and function of the protein; cysteine substitutions in the calcium-binding EGF-like domains represent the majority of pathogenic missense changes associated with FBN1-related disorders (PMID: 12938084); Not observed at significant frequency in large population cohorts (gnomAD); In silico analysis supports that this missense variant has a deleterious effect on protein structure/function; Has not been previously published as pathogenic or benign to our knowledge; This variant is associated with the following publications: (PMID: 12938084)

Ambry Genetics
Classification: Pathogenic for Familial thoracic aortic aneurysm and aortic dissection. Last evaluated: 2016-03-21. Review status: criteria provided, single submitter. Criteria: Ambry Variant Classification Scheme 2023. Collection method: clinical testing. Allele origin: germline.
Comment: The p.C2204Y pathogenic mutation (also known as c.6611G>A), located in coding exon 53 of the FBN1 gene, results from a G to A substitution at nucleotide position 6611. The cysteine at codon 2204 is replaced by tyrosine, an amino acid with highly dissimilar properties, and is located in the cb EGF-like #33 domain. The majority of FBN1 mutations identified to date have involved the substitution or generation of cysteine residues within cbEGF domains (Vollbrandt T et al. J Biol Chem. 2004;279(31):32924-32931). Based on the supporting evidence, p.C2204Y is interpreted as a disease-causing mutation.

NM_000138.5(FBN1):c.6611G>A (p.Cys2204Tyr)

Gene: FBN1 (fibrillin 1; minus strand). Cytogenetic location: 15q21.1.
Variant type: single nucleotide variant.
Coding change: c.6611G>A on transcript NM_000138.5 (MANE Select); coding-DNA position 6611, G replaced by A.
Protein change: p.Cys2204Tyr; replaces cysteine 2204 with tyrosine.
Molecular consequence: missense variant.
Genome position (GRCh38, 1-based): chr15:48,434,599, C>T on the plus strand (G>A on the coding strand, the complement: FBN1 is on the minus strand). VCF-style: chr15-48434599-C-T. GRCh37 (hg19) VCF-style: chr15-48726796-C-T.
Other names: short protein forms C2204Y.
Identifiers: ClinVar variation 264438 (VCV000264438.6), dbSNP rs886039158, ClinGen allele CA10587798.